The following is an entry in ClinVar:

NM_017514.5(PLXNA3):c.4114C>T (p.Leu1372=)

Gene: PLXNA3 (plexin A3; plus strand). Cytogenetic location: Xq28.
Variant type: single nucleotide variant.
Coding change: c.4114C>T on transcript NM_017514.5 (MANE Select); coding-DNA position 4114, C replaced by T.
Protein change: p.Leu1372=; no amino-acid change (leucine 1372 retained).
Molecular consequence: synonymous variant.
Genome position (GRCh38, 1-based): chrX:154,468,453, C>T. VCF-style: chrX-154468453-C-T. GRCh37 (hg19) VCF-style: chrX-153696796-C-T.
Identifiers: ClinVar variation 4998298 (VCV004998298.1).

ClinVar aggregate classification (germline): Uncertain significance (1 of 4 stars; one submission).

Conditions:
PLXNA3-related disorder. Also called: PLXNA3-related condition.

gnomAD v4.1: 2 of 1,211,457 alleles (0.00017%); highest among the groups gnomAD compares: Admixed American, 0.0022%; no homozygotes.

Submission:

PreventionGenetics, part of Exact Sciences
Classification: Uncertain significance for PLXNA3-related condition. Last evaluated: 2025-07-20. Review status: criteria provided, single submitter. Criteria: ACMG Guidelines, 2015. Collection method: clinical testing. Allele origin: germline.
Comment: The PLXNA3 c.4114C>T variant is not predicted to result in an amino acid change (p.=). This variant is predicted to alter splicing based on available splicing prediction software (SpliceAI, Jaganathan et al. 2019. PubMed ID: 30661751). However, the use of computer prediction software is not equivalent to functional evidence. To our knowledge, this variant has not been reported in the literature. This variant is reported in 0.0037% of alleles in individuals of Latino descent in gnomAD. At this time, the clinical significance of this variant is uncertain due to the absence of conclusive functional and genetic evidence.